The following is an entry in ClinVar:

NM_001754.5(RUNX1):c.58G>T (p.Glu20Ter)

Gene: RUNX1 (RUNX family transcription factor 1; minus strand). Cytogenetic location: 21q22.12.
Variant type: single nucleotide variant.
Coding change: c.58G>T on transcript NM_001754.5 (MANE Select); coding-DNA position 58, G replaced by T.
Protein change: p.Glu20Ter; replaces glutamic acid 20 with a stop codon.
Molecular consequence: nonsense.
Genome position (GRCh38, 1-based): chr21:35,048,842, C>A on the plus strand (G>T on the coding strand, the complement: RUNX1 is on the minus strand). VCF-style: chr21-35048842-C-A. GRCh37 (hg19) VCF-style: chr21-36421139-C-A.
Other names: p.Glu20*; short protein forms E20*.
Identifiers: ClinVar variation 4073545 (VCV004073545.1).

ClinVar aggregate classification (oncogenicity): Oncogenic (1 of 4 stars; one submission).

Conditions:
Leukemia. Identifiers: MedGen C0023418, MeSH D007938, MONDO:0005059, HP:0001909.

gnomAD v4.1: 1 of 1,613,006 alleles (0.000062%); highest among the groups gnomAD compares: Non-Finnish European, 0.000085%; no homozygotes.

Submission:

Leukemia Research Group, Cancer Lab, Institute of Biochemistry, Biotechnology and Bioinformatics
Classification: Oncogenic for Leukemia. Last evaluated: 2023-05-10. Review status: criteria provided, single submitter. Criteria: ClinGen/CGC/VICC Guidelines for Oncogenicity, 2022. Collection method: research. Allele origin: somatic. Affected: yes. Observed: 4 variant alleles.
Comment: The p.Glu20*/c.58G>T variant is a nonsense variant predicted to loss splice site when annotated along with c.58+1G>C which causes to retain intron 2/3. It causes frame shift in open reading frame causing premature stop codon in extended exon 2 and expected to result in nonsense-mediated mRNA decay (OVS1). All utilized lines of computational evidence support an oncogenic effect of a variant (OP1). It is completely absent from gnomAD v2.1.1 and v3 with at least 20x coverage for RUNX1 (OP4).